The following is an entry in ClinVar:

NM_002474.3(MYH11):c.633G>T (p.Thr211=)

Gene: MYH11 (myosin heavy chain 11; minus strand). Cytogenetic location: 16p13.11.
Variant type: single nucleotide variant.
Coding change: c.633G>T on transcript NM_002474.3 (MANE Select); coding-DNA position 633, G replaced by T.
Protein change: p.Thr211=; no amino-acid change (threonine 211 retained).
Molecular consequence: synonymous variant.
Genome position (GRCh38, 1-based): chr16:15,786,630, C>A on the plus strand (G>T on the coding strand, the complement: MYH11 is on the minus strand). VCF-style: chr16-15786630-C-A. GRCh37 (hg19) VCF-style: chr16-15880487-C-A.
Other names: c.633G>T, p.Thr211= (NM_001040113.2, NM_001040114.2, NM_022844.3).
Identifiers: ClinVar variation 918950 (VCV000918950.6), dbSNP rs765225250, ClinGen allele CA7922923.
Genomic context (GRCh38, chr16:15,786,630, plus strand): 5'-GGCTGCAAGCTGGAGACCGGTTGGCTAAATCATGGCCTCTGATTGGGAACTGCCACTCAC[C>A]GTGATACTTGTGTCTTTCTTGCCCTTGTGGGAGGAGGCCACCACGGCCAGGTACTGAATG-3'
Protein context (NP_002465.1, residues 201-221): SHKGKKDTSI[Thr211=]GELEKQLLQA

ClinVar aggregate classification (germline): Uncertain significance (1 of 4 stars; one submission).

Conditions:
Familial thoracic aortic aneurysm and aortic dissection (TAAD). Also called: Thoracic aortic aneurysms and dissections. Identifiers: Orphanet 91387, MedGen C4707243, MONDO:0019625.

Allele frequency attached by ClinVar (database versions not stated): gnomAD below 0.00001 and 0.00001.
gnomAD v4.1: 13 of 1,613,706 alleles (0.00081%); highest among the groups gnomAD compares: South Asian, 0.012%; no homozygotes.

Submission:

Color Diagnostics, LLC DBA Color Health
Classification: Uncertain significance for Familial thoracic aortic aneurysm and aortic dissection. Last evaluated: 2025-07-11. Review status: criteria provided, single submitter. Criteria: ACMG Guidelines, 2015. Collection method: clinical testing. Allele origin: germline.
Comment: This synonymous variant alters the conserved c.G at the last nucleotide of exon 5 of the MYH11 gene. Splice site prediction tools are inconclusive regarding the impact of this variant on RNA splicing. To our knowledge, RNA studies have not been reported for this variant. This variant has not been reported in individuals affected with MYH11-related disorders in the literature. This variant has been identified in 3/251358 chromosomes in the general population by the Genome Aggregation Database (gnomAD). The available evidence is insufficient to determine the role of this variant in disease conclusively. Therefore, this variant is classified as a Variant of Uncertain Significance.